The following is an entry in ClinVar:

ClinVar aggregate classification (germline): Uncertain significance. Review status: criteria provided, multiple submitters, no conflicts (2 of 4 stars). 2 submissions from 2 submitters: Uncertain significance (2). Last evaluated 2025-03-22.

Conditions:
Familial adenomatous polyposis 1 (FAP1). Also called: FAMILIAL ADENOMATOUS POLYPOSIS 1, ATTENUATED; POLYPOSIS, ADENOMATOUS INTESTINAL. Identifiers: MedGen C2713442, MONDO:0021056, OMIM 175100. Disease mechanism: loss of function.
Hereditary cancer-predisposing syndrome. Also called: Neoplastic Syndromes, Hereditary; Tumor predisposition; Hereditary Cancer Syndrome; Hereditary neoplastic syndrome. Identifiers: Orphanet 140162, MedGen C0027672, MeSH D009386, MONDO:0015356.

gnomAD v4.1: 1 of 1,606,988 alleles (0.000062%); highest among the groups gnomAD compares: Non-Finnish European, 0.000085%; no homozygotes.

Submissions (2):

Ambry Genetics
Classification: Uncertain significance for Hereditary cancer-predisposing syndrome. Last evaluated: 2025-03-22. Review status: criteria provided, single submitter. Criteria: Ambry Variant Classification Scheme 2023. Collection method: clinical testing. Allele origin: germline.
Comment: The p.T2823I variant (also known as c.8468C>T), located in coding exon 15 of the APC gene, results from a C to T substitution at nucleotide position 8468. The threonine at codon 2823 is replaced by isoleucine, an amino acid with similar properties. This amino acid position is conserved. In addition, in silico predictors for this gene do not accurately predict pathogenicity. Based on the available evidence, the clinical significance of this variant remains unclear.

Labcorp Genetics (formerly Invitae), Labcorp
Classification: Uncertain significance for Familial adenomatous polyposis 1. Last evaluated: 2024-07-02. Review status: criteria provided, single submitter. Criteria: Invitae Variant Classification Sherloc (09022015). Collection method: clinical testing. Allele origin: germline.
Comment: This sequence change replaces threonine, which is neutral and polar, with isoleucine, which is neutral and non-polar, at codon 2823 of the APC protein (p.Thr2823Ile). This variant is not present in population databases (gnomAD no frequency). This variant has not been reported in the literature in individuals affected with APC-related conditions. Advanced modeling of protein sequence and biophysical properties (such as structural, functional, and spatial information, amino acid conservation, physicochemical variation, residue mobility, and thermodynamic stability) performed at Invitae indicates that this missense variant is not expected to disrupt APC protein function with a negative predictive value of 95%. In summary, the available evidence is currently insufficient to determine the role of this variant in disease. Therefore, it has been classified as a Variant of Uncertain Significance.

NM_000038.6(APC):c.8468C>T (p.Thr2823Ile)

Gene: APC (APC regulator of Wnt signaling pathway; plus strand). Cytogenetic location: 5q22.2.
Variant type: single nucleotide variant.
Coding change: c.8468C>T on transcript NM_000038.6 (MANE Select); coding-DNA position 8468, C replaced by T.
Protein change: p.Thr2823Ile; replaces threonine 2823 with isoleucine.
Molecular consequence: missense variant. On other transcripts: non-coding transcript variant (2).
Genome position (GRCh38, 1-based): chr5:112,844,062, C>T. VCF-style: chr5-112844062-C-T. GRCh37 (hg19) VCF-style: chr5-112179759-C-T.
Other names: c.8468C>T (NM_000038.5); c.8468C>T, p.Thr2823Ile (NM_001127510.3, NM_001354895.2, NM_001407450.1); c.8414C>T, p.Thr2805Ile (NM_001127511.3); c.8522C>T, p.Thr2841Ile (NM_001354896.2, NM_001407447.1, NM_001407448.1 and 1 more transcripts); c.8498C>T, p.Thr2833Ile (NM_001354897.2); c.8393C>T, p.Thr2798Ile (NM_001354898.2); c.8384C>T, p.Thr2795Ile (NM_001354899.2); c.8345C>T, p.Thr2782Ile (NM_001354900.2); and 12 more; short protein forms T2732I, T2740I, T2795I, T2813I, T2722I, T2805I, T2816I, T2833I.
Identifiers: ClinVar variation 3635532 (VCV003635532.3).